The following is an entry in ClinVar:

ClinVar aggregate classification (germline): Uncertain significance (1 of 4 stars; one submission).

Allele frequency attached by ClinVar (database versions not stated): TOPMed below 0.00001; gnomAD 0.00001.
gnomAD v4.1: 1 of 1,613,712 alleles (0.000062%); highest among the groups gnomAD compares: Admixed American, 0.0017%; no homozygotes.

Submission:

Labcorp Genetics (formerly Invitae), Labcorp
Classification: Uncertain significance. Last evaluated: 2018-06-20. Review status: criteria provided, single submitter. Criteria: Invitae Variant Classification Sherloc (09022015). Collection method: clinical testing. Allele origin: germline.
Comment: In summary, the available evidence is currently insufficient to determine the role of this variant in disease. Therefore, it has been classified as a Variant of Uncertain Significance. Algorithms developed to predict the effect of missense changes on protein structure and function are either unavailable or do not agree on the potential impact of this missense change (SIFT: "Deleterious"; PolyPhen-2: "Possibly Damaging"; Align-GVGD: "Class C0"). This variant has not been reported in the literature in individuals with NEDD4L-related disease. This variant is not present in population databases (ExAC no frequency). This sequence change replaces aspartic acid with asparagine at codon 685 of the NEDD4L protein (p.Asp685Asn). The aspartic acid residue is moderately conserved and there is a small physicochemical difference between aspartic acid and asparagine.

NM_001144967.3(NEDD4L):c.2113G>A (p.Asp705Asn)

Gene: NEDD4L (NEDD4 like E3 ubiquitin protein ligase; plus strand). Cytogenetic location: 18q21.31.
Variant type: single nucleotide variant.
Coding change: c.2113G>A on transcript NM_001144967.3 (MANE Select); coding-DNA position 2113, G replaced by A.
Protein change: p.Asp705Asn; replaces aspartic acid 705 with asparagine.
Molecular consequence: missense variant.
Genome position (GRCh38, 1-based): chr18:58,367,795, G>A. VCF-style: chr18-58367795-G-A. GRCh37 (hg19) VCF-style: chr18-56035027-G-A.
Other names: c.1750G>A, p.Asp584Asn (NM_001144964.1, NM_001144965.2, NM_001144966.3); c.2089G>A, p.Asp697Asn (NM_001144968.2); c.2029G>A, p.Asp677Asn (NM_001144969.2); c.1690G>A, p.Asp564Asn (NM_001144970.3, NM_001144971.2); c.1921G>A, p.Asp641Asn (NM_001243960.2); c.2053G>A, p.Asp685Asn (NM_015277.6); short protein forms D564N, D584N, D641N, D677N, D685N, D697N, D705N.
Identifiers: ClinVar variation 1064071 (VCV001064071.9), dbSNP rs2046318011, ClinGen allele CA402549848.